The following is an entry in ClinVar:

NM_018417.6(ADCY10):c.87C>A (p.Phe29Leu)

Genes: ADCY10 (adenylate cyclase 10; minus strand), DCAF6 (DDB1 and CUL4 associated factor 6; plus strand). Cytogenetic location: 1q24.2.
Variant type: single nucleotide variant.
Coding change: c.87C>A on transcript NM_018417.6 (MANE Select); coding-DNA position 87, C replaced by A.
Protein change: p.Phe29Leu; replaces phenylalanine 29 with leucine.
Molecular consequence: missense variant. On other transcripts: 5 prime UTR variant (1), intron variant (1).
Genome position (GRCh38, 1-based): chr1:167,905,054, G>T on the plus strand (C>A on the coding strand, the complement: ADCY10 is on the minus strand). VCF-style: chr1-167905054-G-T. GRCh37 (hg19) VCF-style: chr1-167874292-G-T.
Other names: c.-227C>A (NM_001297772.2); c.-62-3000C>A (NM_001167749.3); short protein forms F29L.
Identifiers: ClinVar variation 3659297 (VCV003659297.2).

ClinVar aggregate classification (germline): Uncertain significance (1 of 4 stars; one submission).

Submission:

Labcorp Genetics (formerly Invitae), Labcorp
Classification: Uncertain significance. Last evaluated: 2024-07-11. Review status: criteria provided, single submitter. Criteria: Invitae Variant Classification Sherloc (09022015). Collection method: clinical testing. Allele origin: germline.
Comment: This sequence change replaces phenylalanine, which is neutral and non-polar, with leucine, which is neutral and non-polar, at codon 29 of the ADCY10 protein (p.Phe29Leu). This variant is not present in population databases (gnomAD no frequency). This variant has not been reported in the literature in individuals affected with ADCY10-related conditions. An algorithm developed to predict the effect of missense changes on protein structure and function (PolyPhen-2) suggests that this variant is likely to be tolerated. In summary, the available evidence is currently insufficient to determine the role of this variant in disease. Therefore, it has been classified as a Variant of Uncertain Significance.